The following is an entry in ClinVar:

ClinVar aggregate classification (germline): Conflicting classifications of pathogenicity. Review status: criteria provided, conflicting classifications (1 of 4 stars). 3 submissions from 3 submitters: Likely pathogenic (2); Uncertain significance (1). Last evaluated 2025-11-17.

Conditions:
Progressive myoclonic epilepsy. Also called: Familial progressive myoclonic epilepsy; Myoclonic Epilepsies, Progressive; Myoclonus epilepsy; Progressive myoclonus epilepsy. Identifiers: Orphanet 308, Orphanet 98261, MedGen C0751778, MONDO:0020074.
Action myoclonus-renal failure syndrome. Also called: SCARB2-Related Action Myoclonus-Renal Failure Syndrome; MYOCLONUS-NEPHROPATHY SYNDROME; EPILEPSY, PROGRESSIVE MYOCLONIC, 4, WITH RENAL FAILURE; EPILEPSY, PROGRESSIVE MYOCLONIC, 4, WITHOUT RENAL FAILURE. Identifiers: Orphanet 163696, MedGen C0751779, MeSH D020191, MONDO:0009699, OMIM 254900.

Allele frequency attached by ClinVar (database versions not stated): TOPMed 0.00001.

Submissions (3):

Labcorp Genetics (formerly Invitae), Labcorp
Classification: Uncertain significance for Progressive myoclonic epilepsy. Last evaluated: 2025-11-17. Review status: criteria provided, single submitter. Criteria: Invitae Variant Classification Sherloc (09022015). Collection method: clinical testing. Allele origin: germline.
Comment: This sequence change creates a premature translational stop signal (p.Trp455*) in the SCARB2 gene. While this is not anticipated to result in nonsense mediated decay, it is expected to disrupt the last 24 amino acid(s) of the SCARB2 protein. This variant is not present in population databases (gnomAD no frequency). This premature translational stop signal has been observed in individual(s) with clinical features of SCARB2-related conditions (PMID: 29655203). ClinVar contains an entry for this variant (Variation ID: 429598). Algorithms developed to predict the effect of sequence changes on RNA splicing suggest that this variant may disrupt the consensus splice site. In summary, the available evidence is currently insufficient to determine the role of this variant in disease. Therefore, it has been classified as a Variant of Uncertain Significance.

GeneDx
Classification: Likely pathogenic. Last evaluated: 2025-11-16. Review status: criteria provided, single submitter. Criteria: GeneDx Variant Classification Process June 2021. Collection method: clinical testing. Allele origin: germline. Affected: yes.
Comment: Nonsense variant predicted to result in protein truncation, as the last 24 amino acid(s) are lost, and other loss-of-function variants have been reported downstream in HGMD; Reported among a cohort of patients with epilepsy and/or neurodevelopmental disorders (PMID: 29655203); Not observed at significant frequency in large population cohorts (gnomAD); This variant is associated with the following publications: (PMID: 29655203)

Fulgent Genetics
Classification: Likely pathogenic for Action myoclonus-renal failure syndrome. Last evaluated: 2024-05-21. Review status: criteria provided, single submitter. Criteria: ACMG Guidelines, 2015. Collection method: clinical testing. Allele origin: germline.

Literature cited by the submitters: PubMed 29655203 (cited by Labcorp Genetics (formerly Invitae), Labcorp).

NM_005506.4(SCARB2):c.1365G>A (p.Trp455Ter)

Gene: SCARB2 (scavenger receptor class B member 2; minus strand). Cytogenetic location: 4q21.1.
Variant type: single nucleotide variant.
Coding change: c.1365G>A on transcript NM_005506.4 (MANE Select); coding-DNA position 1365, G replaced by A.
Protein change: p.Trp455Ter; replaces tryptophan 455 with a stop codon.
Molecular consequence: nonsense.
Genome position (GRCh38, 1-based): chr4:76,163,258, C>T on the plus strand (G>A on the coding strand, the complement: SCARB2 is on the minus strand). VCF-style: chr4-76163258-C-T. GRCh37 (hg19) VCF-style: chr4-77084411-C-T.
Other names: c.936G>A, p.Trp312Ter (NM_001204255.2); short protein forms W455*, W312*.
Identifiers: ClinVar variation 429598 (VCV000429598.5), dbSNP rs995674389, ClinGen allele CA99885229.
Genomic context (GRCh38, chr4:76,163,258, plus strand): 5'-GAAGAAGTTCCTTCAGCCAGTTCTCACCTCATCCATGGATCCCTGTCCTTTGCATGCAAG[C>T]CAGGTAAAAACCAAACCAAAGAACACACCCAGCGCCATGATGATGTAGGGTATGTTGGTG-3'